The following is an entry in ClinVar:

ClinVar aggregate classification (germline): Uncertain significance (1 of 4 stars; one submission).

Conditions:
White-Kernohan syndrome. Also called: GLOBAL DEVELOPMENTAL DELAY, HYPOTONIA, AND CHARACTERISTIC FACIAL FEATURES. Identifiers: MedGen C5543635, MONDO:0859169, OMIM 619426.

gnomAD v4.1: 1 of 1,613,946 alleles (0.000062%); highest among the groups gnomAD compares: Non-Finnish European, 0.000085%; no homozygotes.

Submission:

Dasa
Classification: Uncertain significance for White-Kernohan syndrome. Last evaluated: 2025-10-27. Review status: criteria provided, single submitter. Criteria: DASA Assertion Criteria. Collection method: clinical testing. Allele origin: germline.
Comment: NM_001923.5(DDB1):c.1909G>A (p.Val637Ile) is a missense variant that results in the substitution of valine with isoleucine. This variant is rare in population databases. Computational prediction algorithms are consistent with a benign effect. The currently available literature and clinical evidence are not sufficient to establish a definitive association between this variant and the reported condition. Therefore, this variant is classified as a variant of uncertain significance.

NM_001923.5(DDB1):c.1909G>A (p.Val637Ile)

Gene: DDB1 (damage specific DNA binding protein 1; minus strand). Cytogenetic location: 11q12.2.
Variant type: single nucleotide variant.
Coding change: c.1909G>A on transcript NM_001923.5 (MANE Select); coding-DNA position 1909, G replaced by A.
Protein change: p.Val637Ile; replaces valine 637 with isoleucine.
Molecular consequence: missense variant.
Genome position (GRCh38, 1-based): chr11:61,313,659, C>T on the plus strand (G>A on the coding strand, the complement: DDB1 is on the minus strand). VCF-style: chr11-61313659-C-T. GRCh37 (hg19) VCF-style: chr11-61081131-C-T.
Other names: short protein forms V637I.
Identifiers: ClinVar variation 4882665 (VCV004882665.2).
Genomic context (GRCh38, chr11:61,313,659, plus strand): 5'-TGGGGCGGTCAGAACAAGCAAAGACGTTGGTGGTAGAAAGAGAACGAAAAGTCCTCAATA[C>T]GGTGGGCTGGGTGCCCAAAGTCACCTTCTTACGGTCGCTCAACAGACCTACAGAGAGAAT-3'
Protein context (NP_001914.3, residues 627-647): KKVTLGTQPT[Val637Ile]LRTFRSLSTT